The following is an entry in ClinVar:

NM_003737.4(DCHS1):c.9417C>G (p.Gly3139=)

Gene: DCHS1 (dachsous cadherin-related 1; minus strand). Cytogenetic location: 11p15.4.
Variant type: single nucleotide variant.
Coding change: c.9417C>G on transcript NM_003737.4 (MANE Select); coding-DNA position 9417, C replaced by G.
Protein change: p.Gly3139=; no amino-acid change (glycine 3139 retained).
Molecular consequence: synonymous variant.
Genome position (GRCh38, 1-based): chr11:6,622,259, G>C on the plus strand (C>G on the coding strand, the complement: DCHS1 is on the minus strand). VCF-style: chr11-6622259-G-C. GRCh37 (hg19) VCF-style: chr11-6643490-G-C.
Identifiers: ClinVar variation 2641559 (VCV002641559.24), dbSNP rs768138201, ClinGen allele CA5859261.

ClinVar aggregate classification (germline): Likely benign (1 of 4 stars; one submission).

Allele frequency attached by ClinVar (database versions not stated): ExAC 0.00001.
gnomAD v4.1: 1 of 1,603,846 alleles (0.000062%); no homozygotes.

Submission:

CeGaT Center for Human Genetics Tuebingen
Classification: Likely benign. Last evaluated: 2026-05-01. Review status: criteria provided, single submitter. Criteria: CeGaT Center For Human Genetics Tuebingen Variant Classification Criteria Version 2. Collection method: clinical testing. Allele origin: germline. Affected: yes. Observed: 2 variant alleles.
Comment: DCHS1: BP4, BP7